The following is an entry in ClinVar:

NM_004415.4(DSP):c.898G>A (p.Asp300Asn)

Gene: DSP (desmoplakin; plus strand). Cytogenetic location: 6p24.3.
Variant type: single nucleotide variant.
Coding change: c.898G>A on transcript NM_004415.4 (MANE Select); coding-DNA position 898, G replaced by A.
Protein change: p.Asp300Asn; replaces aspartic acid 300 with asparagine.
Molecular consequence: missense variant.
Genome position (GRCh38, 1-based): chr6:7,565,479, G>A. VCF-style: chr6-7565479-G-A. GRCh37 (hg19) VCF-style: chr6-7565712-G-A.
Other names: c.898G>A, p.Asp300Asn (NM_001008844.3, NM_001319034.2, NM_001406591.1); short protein forms D300N.
Identifiers: ClinVar variation 4757380 (VCV004757380.2).

ClinVar aggregate classification (germline): Uncertain significance. Review status: criteria provided, multiple submitters, no conflicts (2 of 4 stars). 2 submissions from 2 submitters: Uncertain significance (2). Last evaluated 2025-10-22.

Conditions:
Arrhythmogenic cardiomyopathy with wooly hair and keratoderma. Also called: PALMOPLANTAR KERATODERMA WITH LEFT VENTRICULAR CARDIOMYOPATHY AND WOOLLY HAIR; Dilated cardiomyopathy with woolly hair and keratoderma; Arrhythmogenic cardiomyopathy with woolly hair and keratoderma; Carvajal syndrome. Identifiers: Orphanet 65282, MedGen C1854063, MONDO:0011581, OMIM 605676.
Arrhythmogenic right ventricular dysplasia 8 (ARVD8). Also called: Arrhythmogenic Right Ventricular Dysplasia/Cardiomyopathy 8; ARRHYTHMOGENIC RIGHT VENTRICULAR DYSPLASIA, FAMILIAL, 8; ARRHYTHMOGENIC RIGHT VENTRICULAR CARDIOMYOPATHY 8. Identifiers: MedGen C1843896, MONDO:0011831, OMIM 607450.
Cardiomyopathy (CMYO). Also called: Cardiomyopathies. Identifiers: Orphanet 167848, MedGen C0878544, MONDO:0004994, HP:0001638. Inheritance: Various modes of inheritance.

gnomAD v4.1: 2 of 1,614,022 alleles (0.00012%); highest among the groups gnomAD compares: Non-Finnish European, 0.000085%; no homozygotes.

Submissions (2):

Labcorp Genetics (formerly Invitae), Labcorp
Classification: Uncertain significance for Arrhythmogenic cardiomyopathy with wooly hair and keratoderma; Arrhythmogenic right ventricular dysplasia 8. Last evaluated: 2025-10-22. Review status: criteria provided, single submitter. Criteria: Invitae Variant Classification Sherloc (09022015). Collection method: clinical testing. Allele origin: germline.
Comment: This sequence change replaces aspartic acid, which is acidic and polar, with asparagine, which is neutral and polar, at codon 300 of the DSP protein (p.Asp300Asn). This variant is present in population databases (rs759084237, gnomAD 0.0009%). This variant has not been reported in the literature in individuals affected with DSP-related conditions. An algorithm developed to predict the effect of missense changes on protein structure and function (PolyPhen-2) suggests that this variant is likely to be disruptive. In summary, the available evidence is currently insufficient to determine the role of this variant in disease. Therefore, it has been classified as a Variant of Uncertain Significance.

Color Diagnostics, LLC DBA Color Health
Classification: Uncertain significance for Cardiomyopathy. Last evaluated: 2025-06-30. Review status: criteria provided, single submitter. Criteria: ACMG Guidelines, 2015. Collection method: clinical testing. Allele origin: germline.
Comment: This missense variant replaces aspartic acid with asparagine at codon 300 of the DSP protein. Computational prediction suggests that this variant may have deleterious impact on protein structure and function. To our knowledge, functional studies have not been reported for this variant. This variant has not been reported in individuals affected with DSP-related disorders in the literature. This variant has been identified in 1/251326 chromosomes in the general population by the Genome Aggregation Database (gnomAD). The available evidence is insufficient to determine the role of this variant in disease conclusively. Therefore, this variant is classified as a Variant of Uncertain Significance.